The following is an entry in ClinVar:

NM_004408.4(DNM1):c.434T>G (p.Val145Gly)

Genes: DNM1 (dynamin 1; plus strand), LOC113839516 (Sharpr-MPRA regulatory region 8497; plus strand). Cytogenetic location: 9q34.11.
Variant type: single nucleotide variant.
Coding change: c.434T>G on transcript NM_004408.4 (MANE Select); coding-DNA position 434, T replaced by G.
Protein change: p.Val145Gly; replaces valine 145 with glycine.
Molecular consequence: missense variant.
Genome position (GRCh38, 1-based): chr9:128,219,097, T>G. VCF-style: chr9-128219097-T-G. GRCh37 (hg19) VCF-style: chr9-130981376-T-G.
Other names: c.434T>G, p.Val145Gly (NM_001005336.3, NM_001288737.2, NM_001288738.2 and 2 more transcripts); short protein forms V145G.
Identifiers: ClinVar variation 4292784 (VCV004292784.1).
Genomic context (GRCh38, chr9:128,219,097, plus strand): 5'-CGCCCTGTCCAGTGCTGAACCTGACCCTGGTGGACCTGCCCGGAATGACCAAGGTCCCGG[T>G]GGGGGACCAACCTCCCGACATCGAGTTCCAGATCCGAGACATGCTTATGCAGTTTGTCAC-3'
Protein context (NP_004399.2, residues 135-155): VDLPGMTKVP[Val145Gly]GDQPPDIEFQ

ClinVar aggregate classification (germline): Uncertain significance (1 of 4 stars; one submission).

Conditions:
Developmental and epileptic encephalopathy, 31A. Also called: Epileptic encephalopathy, early infantile, 31; Developmental and epileptic encephalopathy, 31. Identifiers: Orphanet 2382, MedGen C4225357, MONDO:0014598, OMIM 616346.

Submission:

3billion
Classification: Uncertain significance for Developmental and epileptic encephalopathy, 31A. Last evaluated: 2025-01-03. Review status: criteria provided, single submitter. Criteria: ACMG Guidelines, 2015. Collection method: clinical testing. Allele origin: germline. Affected: yes.
Comment: The variant is not observed in the gnomAD v4.1.0 dataset. Predicted Consequence/Location: Missense variant In silico tool predictions suggest damaging effect of the variant on gene or gene product [REVEL: 0.96 (>=0.6, sensitivity 0.68 and specificity 0.92); 3Cnet: 0.66 (>=0.6, sensitivity 0.72 and precision 0.9)]. Therefore, this variant is classified as VUS according to the recommendation of ACMG/AMP guideline.